The following is an entry in ClinVar:

ClinVar aggregate classification (germline): Uncertain significance (1 of 4 stars; one submission).

Submission:

Labcorp Genetics (formerly Invitae), Labcorp
Classification: Uncertain significance. Last evaluated: 2020-02-18. Review status: criteria provided, single submitter. Criteria: Invitae Variant Classification Sherloc (09022015). Collection method: clinical testing. Allele origin: germline.
Comment: Algorithms developed to predict the effect of missense changes on protein structure and function are either unavailable or do not agree on the potential impact of this missense change (SIFT: "Tolerated"; PolyPhen-2: "Possibly Damaging"; Align-GVGD: "Class C0"). This sequence change replaces glutamic acid with aspartic acid at codon 53 of the AGBL5 protein (p.Glu53Asp). The glutamic acid residue is highly conserved and there is a small physicochemical difference between glutamic acid and aspartic acid. This variant is not present in population databases (ExAC no frequency). This variant has not been reported in the literature in individuals with AGBL5-related conditions. In summary, the available evidence is currently insufficient to determine the role of this variant in disease. Therefore, it has been classified as a Variant of Uncertain Significance.

NM_021831.6(AGBL5):c.159A>T (p.Glu53Asp)

Gene: AGBL5 (AGBL carboxypeptidase 5; plus strand). Cytogenetic location: 2p23.3.
Variant type: single nucleotide variant.
Coding change: c.159A>T on transcript NM_021831.6 (MANE Select); coding-DNA position 159, A replaced by T.
Protein change: p.Glu53Asp; replaces glutamic acid 53 with aspartic acid.
Molecular consequence: missense variant. On other transcripts: non-coding transcript variant (2).
Genome position (GRCh38, 1-based): chr2:27,053,117, A>T. VCF-style: chr2-27053117-A-T. GRCh37 (hg19) VCF-style: chr2-27275985-A-T.
Other names: c.159A>T, p.Glu53Asp (NM_001035507.3); short protein forms E53D.
Identifiers: ClinVar variation 1041566 (VCV001041566.9), dbSNP rs1668257250, ClinGen allele CA346167694.